The following is an entry in ClinVar:

ClinVar aggregate classification (germline): Uncertain significance. Review status: criteria provided, multiple submitters, no conflicts (2 of 4 stars). 4 submissions from 4 submitters: Uncertain significance (4). Last evaluated 2025-06-17.

Conditions:
CEP290-related disorder. Also called: CEP290-related condition; CEP290-related disorders. Identifiers: MedGen CN239314.
Bardet-Biedl syndrome 14 (BBS14). Identifiers: Orphanet 110, MedGen C2673874, MONDO:0014442, OMIM 615991.
Leber congenital amaurosis 10 (LCA10). Identifiers: Orphanet 65, MedGen C1857821, MONDO:0012723, OMIM 611755.
Meckel syndrome, type 4 (MKS4). Also called: MECKEL-GRUBER SYNDROME, TYPE 4. Identifiers: Orphanet 564, MedGen C1970161, MONDO:0012626, OMIM 611134.
Senior-Loken syndrome 6 (SLSN6). Identifiers: Orphanet 3156, MedGen C1857779, MONDO:0012433, OMIM 610189.
Joubert syndrome 5 (JBTS5). Identifiers: Orphanet 2318, MedGen C1857780, MONDO:0012432, OMIM 610188.

Allele frequency attached by ClinVar (database versions not stated): TOPMed 0.00001; ESP Exome Variant Server 0.00017.
gnomAD v4.1: 7 of 1,569,688 alleles (0.00045%); highest among the groups gnomAD compares: Non-Finnish European, 0.00061%; no homozygotes.

Submissions (4):

PreventionGenetics, part of Exact Sciences
Classification: Uncertain significance for CEP290-related condition. Last evaluated: 2025-06-17. Review status: criteria provided, single submitter. Criteria: ACMG Guidelines, 2015. Collection method: clinical testing. Allele origin: germline.
Comment: The CEP290 c.3605A>T variant is predicted to result in the amino acid substitution p.Lys1202Met. To our knowledge, this variant has not been reported in the literature. This variant is reported in 0.0012% of alleles in individuals of European (non-Finnish) descent in gnomAD. An alternate substitution of this amino acid (p.Lys1202Arg) has been observed in a cohort study of obesity and reported as a variant of uncertain clinical significance (Table S1, Roberts et al 2022. PubMed ID: 35562395). At this time, the clinical significance of the c.3605A>T (p.Lys1202Met) variant is uncertain due to the absence of conclusive functional and genetic evidence.

Blueprint Genetics
Classification: Uncertain significance. Last evaluated: 2021-09-08. Review status: criteria provided, single submitter. Criteria: ACMG Guidelines, 2015. Collection method: clinical testing. Allele origin: germline.

Fulgent Genetics
Classification: Uncertain significance for Joubert syndrome 5; Senior-Loken syndrome 6; Meckel syndrome, type 4; Leber congenital amaurosis 10; Bardet-Biedl syndrome 14. Last evaluated: 2021-07-23. Review status: criteria provided, single submitter. Criteria: ACMG Guidelines, 2015. Collection method: clinical testing. Allele origin: unknown.

Eurofins Ntd Llc (ga)
Classification: Uncertain significance. Last evaluated: 2013-11-20. Review status: criteria provided, single submitter. Criteria: EGL Classification Definitions 2015. Collection method: clinical testing. Allele origin: germline. Observed: 1 variant allele, 1 heterozygote.

NM_025114.4(CEP290):c.3605A>T (p.Lys1202Met)

Gene: CEP290 (centrosomal protein 290; minus strand). Cytogenetic location: 12q21.32.
Variant type: single nucleotide variant.
Coding change: c.3605A>T on transcript NM_025114.4 (MANE Select); coding-DNA position 3605, A replaced by T.
Protein change: p.Lys1202Met; replaces lysine 1202 with methionine.
Molecular consequence: missense variant.
Genome position (GRCh38, 1-based): chr12:88,089,456, T>A on the plus strand (A>T on the coding strand, the complement: CEP290 is on the minus strand). VCF-style: chr12-88089456-T-A. GRCh37 (hg19) VCF-style: chr12-88483233-T-A.
Other names: short protein forms K1202M.
Identifiers: ClinVar variation 96171 (VCV000096171.10), dbSNP rs375065584, ClinGen allele CA223792.